The following is an entry in ClinVar:

NM_006662.3(SRCAP):c.1021C>T (p.Pro341Ser)

Gene: SRCAP (Snf2 related CREBBP activator protein; plus strand). Cytogenetic location: 16p11.2.
Variant type: single nucleotide variant.
Coding change: c.1021C>T on transcript NM_006662.3 (MANE Select); coding-DNA position 1021, C replaced by T.
Protein change: p.Pro341Ser; replaces proline 341 with serine.
Molecular consequence: missense variant.
Genome position (GRCh38, 1-based): chr16:30,710,015, C>T. VCF-style: chr16-30710015-C-T. GRCh37 (hg19) VCF-style: chr16-30721336-C-T.
Other names: short protein forms P341S.
Identifiers: ClinVar variation 3383097 (VCV003383097.2).

ClinVar aggregate classification (germline): Uncertain significance (1 of 4 stars; one submission).

Conditions:
Developmental delay, hypotonia, musculoskeletal defects, and behavioral abnormalities. Identifiers: MedGen C5562012, MONDO:0859202, OMIM 619595.

Submission:

Juno Genomics, Hangzhou Juno Genomics, Inc
Classification: Uncertain significance for Developmental delay, hypotonia, musculoskeletal defects, and behavioral abnormalities. Review status: criteria provided, single submitter. Criteria: ACMG Guidelines, 2015. Collection method: clinical testing. Allele origin: germline. Affected: yes.
Comment: Absent from controls (or at extremely low frequency if recessive) in Genome Aggregation Database, Exome Sequencing Project, 1000 Genomes Project, or Exome Aggregation Consortium.;Patient's phenotype or family history is highly specific for a disease with a single genetic etiology.